The following is an entry in ClinVar:

NM_006393.3(NEBL):c.1962+26T>A

Gene: NEBL (nebulette; minus strand). Cytogenetic location: 10p12.31.
Variant type: single nucleotide variant.
Coding change: c.1962+26T>A on transcript NM_006393.3 (MANE Select); 26 bases into the intron after coding-DNA position 1962, T replaced by A.
Molecular consequence: intron variant.
Genome position (GRCh38, 1-based): chr10:20,823,182, A>T on the plus strand (T>A on the coding strand, the complement: NEBL is on the minus strand). VCF-style: chr10-20823182-A-T. GRCh37 (hg19) VCF-style: chr10-21112111-A-T.
Other names: c.250-10242T>A (NM_001377326.1, NM_001377327.1, NM_001377328.1); c.358-10242T>A (NM_213569.2, NM_001173484.2, NM_001377322.1); c.301-10242T>A (NM_001377324.1); c.292-10242T>A (NM_001377325.1); c.310-10242T>A (NM_001377323.1).
Identifiers: ClinVar variation 671173 (VCV000671173.2), dbSNP rs11012353, ClinGen allele CA5432688.
Genomic context (GRCh38, chr10:20,823,182, plus strand): 5'-GGCATTTGACCTGTACAGGTTTTATGCTGTCATTACGTGTTGATATACAATAAAATTTTT[A>T]AAAAATACTTAAGAAATATGATCACATTGCTGATGTTCTTCTGGTTTTCTTTAACTCTCT-3'

ClinVar aggregate classification (germline): Benign. Review status: criteria provided, multiple submitters, no conflicts (2 of 4 stars). 2 submissions from 2 submitters: Benign (2). Last evaluated 2018-06-15.

Allele frequency attached by ClinVar (database versions not stated): ESP Exome Variant Server 0.19446; gnomAD 0.25343 and 0.26037; TOPMed 0.25902; gnomAD exomes 0.28093 and 0.29471; 1000 Genomes Project 30x 0.29763; 1000 Genomes Project 0.30212; ExAC 0.32348.
gnomAD v4.1: 427,337 of 1,529,398 alleles (28%); highest among the groups gnomAD compares: East Asian, 44%; 61,906 homozygotes.

Submissions (2):

GeneDx
Classification: Benign. Last evaluated: 2018-06-15. Review status: criteria provided, single submitter. Criteria: GeneDx Variant Classification (06012015). Collection method: clinical testing. Allele origin: germline. Affected: yes.
Comment: This variant is considered likely benign or benign based on one or more of the following criteria: it is a conservative change, it occurs at a poorly conserved position in the protein, it is predicted to be benign by multiple in silico algorithms, and/or has population frequency not consistent with disease.

Breakthrough Genomics
Classification: Benign. Review status: criteria provided, single submitter. Criteria: ACMG Guidelines, 2015. Collection method: not provided. Allele origin: germline. Inheritance: Unknown mechanism. Affected: yes.